The following is an entry in ClinVar:

NM_006662.3(SRCAP):c.9537GGA[2] (p.Glu3182del)

Gene: SRCAP (Snf2 related CREBBP activator protein; plus strand). Cytogenetic location: 16p11.2.
Variant type: Microsatellite.
Coding change: c.9537GGA[2] on transcript NM_006662.3 (MANE Select); two copies in a row of the 3-base unit GGA starting at c.9537; the reference has three copies in a row; one copy, 3 bases deleted; also written c.9543_9545del.
Protein change: p.Glu3182del; deletes glutamic acid 3182.
Molecular consequence: inframe deletion.
Genome position (GRCh38, 1-based): chr16:30,739,583-30,739,585, GGA deleted; deleting any 3 consecutive bases within chr16:30,739,575-30,739,585 gives the same sequence; the position shown is the placement nearest the transcript's 3' end. VCF-style (leftmost placement, unchanged base first): chr16-30739574-TGAG-T. GRCh37 (hg19) VCF-style: chr16-30750895-TGAG-T.
Other names: c.9543_9545del (NM_006662.3); short protein forms E3182del.
Identifiers: ClinVar variation 1394390 (VCV001394390.7), dbSNP rs376601598, ClinGen allele CA8012947.

ClinVar aggregate classification (germline): Uncertain significance. Review status: criteria provided, multiple submitters, no conflicts (2 of 4 stars). 2 submissions from 2 submitters: Uncertain significance (2). Last evaluated 2023-12-28.

Conditions:
Developmental delay, hypotonia, musculoskeletal defects, and behavioral abnormalities. Identifiers: MedGen C5562012, MONDO:0859202, OMIM 619595.
Floating-Harbor syndrome (FLHS). Also called: Short stature with delayed bone age, expressive language delay, a triangular face with a prominent nose and deep-set eyes; Pelletier-Leisti syndrome; SRCAP-Related Floating-Harbor Syndrome. Identifiers: Orphanet 2044, MedGen C0729582, MONDO:0007621, OMIM 136140.

Submissions (2):

Fulgent Genetics
Classification: Uncertain significance for Floating-Harbor syndrome; Developmental delay, hypotonia, musculoskeletal defects, and behavioral abnormalities. Last evaluated: 2023-12-28. Review status: criteria provided, single submitter. Criteria: ACMG Guidelines, 2015. Collection method: clinical testing. Allele origin: germline.

Labcorp Genetics (formerly Invitae), Labcorp
Classification: Uncertain significance. Last evaluated: 2023-10-03. Review status: criteria provided, single submitter. Criteria: Invitae Variant Classification Sherloc (09022015). Collection method: clinical testing. Allele origin: germline.
Comment: This variant, c.9543_9545del, results in the deletion of 1 amino acid(s) of the SRCAP protein (p.Glu3182del), but otherwise preserves the integrity of the reading frame. This variant is present in population databases (rs376601598, gnomAD 0.02%). This variant has not been reported in the literature in individuals affected with SRCAP-related conditions. Experimental studies and prediction algorithms are not available or were not evaluated, and the functional significance of this variant is currently unknown. In summary, the available evidence is currently insufficient to determine the role of this variant in disease. Therefore, it has been classified as a Variant of Uncertain Significance.